The following is an entry in ClinVar:

NC_000001.10:g.(?_113636961)_(113653184_?)del

Gene: LRIG2 (leucine rich repeats and immunoglobulin like domains 2; plus strand). Cytogenetic location: 1p13.2.
Variant type: Deletion.
Identifiers: ClinVar variation 1072090 (VCV001072090.3).

ClinVar aggregate classification (germline): Pathogenic (1 of 4 stars; one submission).

Submission:

Labcorp Genetics (formerly Invitae), Labcorp
Classification: Pathogenic. Last evaluated: 2017-12-08. Review status: criteria provided, single submitter. Criteria: Invitae Variant Classification Sherloc (09022015). Collection method: clinical testing. Allele origin: germline.
Comment: This variant is an out-of-frame deletion of the genomic region encompassing exons 2-13 of the LRIG2 gene. This is expected to create a premature translational stop signal and result in an absent or disrupted protein product. Similar deletions have not been reported in the literature in individuals with LRIG2-related disease. Loss-of-function variants in LRIG2 are known to be pathogenic (PMID: 23313374). For these reasons, this variant has been classified as Pathogenic.

Literature cited by the submitters: PubMed 23313374.